The following is an entry in ClinVar:

NM_002582.4(PARN):c.1783G>A (p.Asp595Asn)

Gene: PARN (poly(A)-specific ribonuclease; minus strand). Cytogenetic location: 16p13.12.
Variant type: single nucleotide variant.
Coding change: c.1783G>A on transcript NM_002582.4 (MANE Select); coding-DNA position 1783, G replaced by A.
Protein change: p.Asp595Asn; replaces aspartic acid 595 with asparagine.
Molecular consequence: missense variant.
Genome position (GRCh38, 1-based): chr16:14,446,969, C>T on the plus strand (G>A on the coding strand, the complement: PARN is on the minus strand). VCF-style: chr16-14446969-C-T. GRCh37 (hg19) VCF-style: chr16-14540826-C-T.
Other names: c.1783G>A (NM_002582.3); c.1600G>A, p.Asp534Asn (NM_001134477.3); c.1645G>A, p.Asp549Asn (NM_001242992.2); short protein forms D534N, D549N, D595N.
Identifiers: ClinVar variation 2070094 (VCV002070094.5), dbSNP rs767702074, ClinGen allele CA7911931.

ClinVar aggregate classification (germline): Uncertain significance. Review status: criteria provided, multiple submitters, no conflicts (2 of 4 stars). 2 submissions from 2 submitters: Uncertain significance (2). Last evaluated 2025-05-26.

Conditions:
PARN-related disorder. Also called: PARN-related disorders; PARN-related condition.
Pulmonary fibrosis and/or bone marrow failure, Telomere-related, 4. Also called: PULMONARY FIBROSIS AND/OR BONE MARROW FAILURE SYNDROME, TELOMERE-RELATED, 4. Identifiers: Orphanet 2032, MedGen C4225347, MONDO:0014612, OMIM 616371.
Dyskeratosis congenita, autosomal recessive 6 (DKCB6). Identifiers: MedGen C4225356, MONDO:0014600, OMIM 616353.

gnomAD v4.1: 11 of 1,613,716 alleles (0.00068%); highest among the groups gnomAD compares: South Asian, 0.0044%; no homozygotes.

Submissions (2):

Labcorp Genetics (formerly Invitae), Labcorp
Classification: Uncertain significance for Dyskeratosis congenita, autosomal recessive 6; Pulmonary fibrosis and/or bone marrow failure, Telomere-related, 4. Last evaluated: 2025-05-26. Review status: criteria provided, single submitter. Criteria: Invitae Variant Classification Sherloc (09022015). Collection method: clinical testing. Allele origin: germline.
Comment: This sequence change replaces aspartic acid, which is acidic and polar, with asparagine, which is neutral and polar, at codon 595 of the PARN protein (p.Asp595Asn). This variant is present in population databases (rs767702074, gnomAD 0.006%). This variant has not been reported in the literature in individuals affected with PARN-related conditions. ClinVar contains an entry for this variant (Variation ID: 2070094). An algorithm developed to predict the effect of missense changes on protein structure and function outputs the following: PolyPhen-2: "Benign". The asparagine amino acid residue is found in multiple mammalian species, which suggests that this missense change does not adversely affect protein function. In summary, the available evidence is currently insufficient to determine the role of this variant in disease. Therefore, it has been classified as a Variant of Uncertain Significance.

PreventionGenetics, part of Exact Sciences
Classification: Uncertain significance for PARN-related condition. Last evaluated: 2025-03-10. Review status: criteria provided, single submitter. Criteria: ACMG Guidelines, 2015. Collection method: clinical testing. Allele origin: germline.
Comment: The PARN c.1783G>A variant is predicted to result in the amino acid substitution p.Asp595Asn. To our knowledge, this variant has not been reported in the literature. This variant is reported in 0.0065% of alleles in individuals of South Asian descent in gnomAD. At this time, the clinical significance of this variant is uncertain due to the absence of conclusive functional and genetic evidence.